The following is an entry in ClinVar:

NM_015164.4(PLEKHM2):c.130C>T (p.Arg44Cys)

Gene: PLEKHM2 (pleckstrin homology and RUN domain containing M2; plus strand). Cytogenetic location: 1p36.21.
Variant type: single nucleotide variant.
Coding change: c.130C>T on transcript NM_015164.4 (MANE Select); coding-DNA position 130, C replaced by T.
Protein change: p.Arg44Cys; replaces arginine 44 with cysteine.
Molecular consequence: missense variant.
Genome position (GRCh38, 1-based): chr1:15,716,306, C>T. VCF-style: chr1-15716306-C-T. GRCh37 (hg19) VCF-style: chr1-16042801-C-T.
Other names: c.130C>T, p.Arg44Cys (NM_001410755.1); short protein forms R44C.
Identifiers: ClinVar variation 3630750 (VCV003630750.2).

ClinVar aggregate classification (germline): Uncertain significance (1 of 4 stars; one submission).

gnomAD v4.1: 34 of 1,606,626 alleles (0.0021%); highest among the groups gnomAD compares: African/African-American, 0.0053%; no homozygotes.

Submission:

Labcorp Genetics (formerly Invitae), Labcorp
Classification: Uncertain significance. Last evaluated: 2024-09-12. Review status: criteria provided, single submitter. Criteria: Invitae Variant Classification Sherloc (09022015). Collection method: clinical testing. Allele origin: germline.
Comment: This sequence change replaces arginine, which is basic and polar, with cysteine, which is neutral and slightly polar, at codon 44 of the PLEKHM2 protein (p.Arg44Cys). The frequency data for this variant in the population databases is considered unreliable, as metrics indicate poor data quality at this position in the gnomAD database. This variant has not been reported in the literature in individuals affected with PLEKHM2-related conditions. An algorithm developed to predict the effect of missense changes on protein structure and function (PolyPhen-2) suggests that this variant is likely to be disruptive. In summary, the available evidence is currently insufficient to determine the role of this variant in disease. Therefore, it has been classified as a Variant of Uncertain Significance.